The following is an entry in ClinVar:

NM_004656.4(BAP1):c.438-19del

Gene: BAP1 (BRCA1 associated deubiquitinase 1; minus strand). Cytogenetic location: 3p21.1.
Variant type: Deletion.
Coding change: c.438-19del on transcript NM_004656.4 (MANE Select); 19 bases into the intron before coding-DNA position 438, one base deleted (T; older notation c.438-19delT).
Molecular consequence: intron variant.
Genome position (GRCh38, 1-based): chr3:52,407,335, A deleted on the plus strand (T on the coding strand, the reverse complement: BAP1 is on the minus strand). VCF-style (leftmost placement, unchanged base first): chr3-52407334-CA-C. GRCh37 (hg19) VCF-style: chr3-52441350-CA-C.
Other names: c.438-19del (NM_001410772.1).
Identifiers: ClinVar variation 3379224 (VCV003379224.3).
Genomic context (GRCh38, chr3:52,407,334, plus strand): 5'-ACTAAGGCCATTCTGCTTCTCAGGGAGGTGGCGTGGCTCGGGCCTGGGGAAAAACAGAGT[CA>C]GGGCCCAAAAAATGATACTCCCCCTACTCCCACCCCACATCAGCTCCCACAGCTCCCACA-3'

ClinVar aggregate classification (germline): Likely benign. Review status: criteria provided, multiple submitters, no conflicts (2 of 4 stars). 2 submissions from 2 submitters: Likely benign (2). Last evaluated 2024-08-03.

Conditions:
BAP1-related tumor predisposition syndrome (TPDS1). Also called: Tumor susceptibility linked to germline BAP1 mutations; BAP1 tumor predisposition syndrome; COMMON Syndrome; TUMOR PREDISPOSITION SYNDROME 1. Identifiers: Orphanet 289539, MedGen C3280492, MONDO:0013692, OMIM 614327.

Submissions (2):

Labcorp Genetics (formerly Invitae), Labcorp
Classification: Likely benign for BAP1-related tumor predisposition syndrome. Last evaluated: 2024-08-03. Review status: criteria provided, single submitter. Criteria: Invitae Variant Classification Sherloc (09022015). Collection method: clinical testing. Allele origin: germline.

Myriad Genetics, Inc.
Classification: Likely benign for BAP1-related tumor predisposition syndrome. Last evaluated: 2024-07-12. Review status: criteria provided, single submitter. Criteria: Myriad Autosomal Dominant, Autosomal Recessive and X-Linked Classification Criteria (2023). Collection method: clinical testing. Allele origin: unknown.
Comment: This variant is considered likely benign. This variant is intronic and is not expected to impact mRNA splicing.